The following is an entry in ClinVar:

NM_205836.3(FBXO38):c.592+3G>A

Gene: FBXO38 (F-box protein 38; plus strand). Cytogenetic location: 5q32.
Variant type: single nucleotide variant.
Coding change: c.592+3G>A on transcript NM_205836.3 (MANE Select); 3 bases into the intron after coding-DNA position 592, G replaced by A.
Molecular consequence: intron variant.
Genome position (GRCh38, 1-based): chr5:148,402,516, G>A. VCF-style: chr5-148402516-G-A. GRCh37 (hg19) VCF-style: chr5-147782079-G-A.
Other names: c.592+3G>A (NM_030793.5, NM_001271723.2).
Identifiers: ClinVar variation 2066323 (VCV002066323.4), dbSNP rs751819675, ClinGen allele CA3497057.
Genomic context (GRCh38, chr5:148,402,516, plus strand): 5'-CCTGAAAATAAACTGAAAATTCCTATAGGAGCCAAAATTCAAACTTTACATTTAGTTGGT[G>A]AGTACATGTTTCTTGGGTCACTTGTAACTCCTTGAAATGCCATAAAATGTGAATATTCAC-3'

ClinVar aggregate classification (germline): Uncertain significance (1 of 4 stars; one submission).

Conditions:
Distal hereditary motor neuropathy type 2. Identifiers: Orphanet 139525, MedGen C3711384, MeSH C580044, MONDO:0015352.

Allele frequency attached by ClinVar (database versions not stated): gnomAD 0.00001; gnomAD exomes 0.00001; ExAC 0.00002.
gnomAD v4.1: 11 of 1,604,016 alleles (0.00069%); highest among the groups gnomAD compares: South Asian, 0.0099%; no homozygotes.

Submission:

Labcorp Genetics (formerly Invitae), Labcorp
Classification: Uncertain significance for Distal hereditary motor neuropathy type 2. Last evaluated: 2025-02-19. Review status: criteria provided, single submitter. Criteria: Invitae Variant Classification Sherloc (09022015). Collection method: clinical testing. Allele origin: germline.
Comment: This sequence change falls in intron 5 of the FBXO38 gene. It does not directly change the encoded amino acid sequence of the FBXO38 protein. It affects a nucleotide within the consensus splice site. This variant is present in population databases (rs751819675, gnomAD 0.01%). This variant has not been reported in the literature in individuals affected with FBXO38-related conditions. ClinVar contains an entry for this variant (Variation ID: 2066323). Variants that disrupt the consensus splice site are a relatively common cause of aberrant splicing (PMID: 17576681, 9536098). Algorithms developed to predict the effect of sequence changes on RNA splicing suggest that this variant is not likely to affect RNA splicing. In summary, the available evidence is currently insufficient to determine the role of this variant in disease. Therefore, it has been classified as a Variant of Uncertain Significance.

Literature cited by the submitters: PubMed 17576681; PubMed 9536098.